The following is an entry in ClinVar:

ClinVar aggregate classification (germline): Uncertain significance (1 of 4 stars; one submission).

Submission:

Dasa
Classification: Uncertain significance. Last evaluated: 2025-06-30. Review status: criteria provided, single submitter. Criteria: DASA Assertion Criteria. Collection method: clinical testing. Allele origin: germline.
Comment: NM_003922.4(HERC1):c.4406_4408del (p.Glu1469del) is an in-frame deletion predicted to remove glutamic acid at protein position 1469 without shifting the reading frame. This variant is rare in population databases. The currently available literature and clinical evidence are not sufficient to establish a definitive association between this variant and the reported condition. Therefore, this variant is classified as a variant of uncertain significance.

NM_003922.4(HERC1):c.4403AAG[1] (p.Glu1469del)

Gene: HERC1 (HECT and RLD domain containing E3 ubiquitin protein ligase family member 1; minus strand). Cytogenetic location: 15q22.31.
Variant type: Microsatellite.
Coding change: c.4403AAG[1] on transcript NM_003922.4 (MANE Select); one copy of the 3-base unit AAG starting at c.4403; the reference has two copies in a row; one copy, 3 bases deleted; also written c.4406_4408del.
Protein change: p.Glu1469del; deletes glutamic acid 1469.
Molecular consequence: inframe deletion.
Genome position (GRCh38, 1-based): chr15:63,713,408-63,713,410, CTT deleted on the plus strand (AAG on the coding strand, the reverse complement: HERC1 is on the minus strand); deleting any 3 consecutive bases within chr15:63,713,408-63,713,415 gives the same sequence; the position shown is the placement nearest the transcript's 3' end. VCF-style (leftmost placement, unchanged base first): chr15-63713407-CCTT-C. GRCh37 (hg19) VCF-style: chr15-64005606-CCTT-C.
Other names: c.4406_4408del (NM_003922.4); short protein forms E1469del.
Identifiers: ClinVar variation 4884046 (VCV004884046.2).
Genomic context (GRCh38, chr15:63,713,407, plus strand): 5'-TCCCACCTGGTCATAAGTCCACCCCCTTCAGAGGCACTTGTTGAAGGTTGCTGCAACTGT[CCTT>C]CTTCTCTTCGCTTCTGAAGCTCATCTATCACAGGACTTACTCCTAATATTAACAGGGCAC-3'